The following is an entry in ClinVar:

ClinVar aggregate classification (germline): Likely pathogenic (1 of 4 stars; one submission).

Conditions:
Abetalipoproteinaemia (ABL). Also called: Abetalipoproteinemia; Abetalipoproteinemia neuropathy; Apolipoprotein B deficiency; Congenital betalipoprotein deficiency syndrome; MTP DEFICIENCY. Identifiers: Orphanet 14, MedGen C0000744, MONDO:0008692, OMIM 200100, HP:0008181.

Submission:

Myriad Genetics, Inc.
Classification: Likely pathogenic for Abetalipoproteinaemia. Last evaluated: 2019-05-14. Review status: criteria provided, single submitter. Criteria: Myriad Women's Health Autosomal Recessive and X-Linked Classification Criteria (2019). Collection method: clinical testing. Allele origin: unknown.
Comment: NM_000253.2(MTTP):c.903T>A(C301*) is expected to be pathogenic in the context of abetalipoproteinemia. This variant is predicted to lead to an abnormal or absent protein product due to the creation of a premature termination codon in MTTP, a gene where loss-of-function variants are known to be pathogenic. Please note: this variant was assessed in the context of healthy population screening.

NM_001386140.1(MTTP):c.903T>A (p.Cys301Ter)

Gene: MTTP (microsomal triglyceride transfer protein; plus strand). Cytogenetic location: 4q23.
Variant type: single nucleotide variant.
Coding change: c.903T>A on transcript NM_001386140.1 (MANE Select); coding-DNA position 903, T replaced by A.
Protein change: p.Cys301Ter; replaces cysteine 301 with a stop codon.
Molecular consequence: nonsense.
Genome position (GRCh38, 1-based): chr4:99,594,877, T>A. VCF-style: chr4-99594877-T-A. GRCh37 (hg19) VCF-style: chr4-100516034-T-A.
Other names: c.903T>A, p.Cys301Ter (NM_000253.4); c.654T>A, p.Cys218Ter (NM_001300785.2); short protein forms C218*, C301*.
Identifiers: ClinVar variation 983693 (VCV000983693.3), dbSNP rs1725516307, ClinGen allele CA357506251.